The following is an entry in ClinVar:

NM_004523.4(KIF11):c.2362C>T (p.Gln788Ter)

Gene: KIF11 (kinesin family member 11; plus strand). Cytogenetic location: 10q23.33.
Variant type: single nucleotide variant.
Coding change: c.2362C>T on transcript NM_004523.4 (MANE Select); coding-DNA position 2362, C replaced by T.
Protein change: p.Gln788Ter; replaces glutamine 788 with a stop codon.
Molecular consequence: nonsense.
Genome position (GRCh38, 1-based): chr10:92,645,457, C>T. VCF-style: chr10-92645457-C-T. GRCh37 (hg19) VCF-style: chr10-94405214-C-T.
Other names: short protein forms Q788*.
Identifiers: ClinVar variation 2735455 (VCV002735455.3), dbSNP rs2492536610, ClinGen allele CA377594061.
Genomic context (GRCh38, chr10:92,645,457, plus strand): 5'-CACAGTCAAAAATTTTGTGCTGATTCTGATGGCTTCTCACAGGAACTCAGAAATTTTAAC[C>T]AAGAAGGTACAAAATTGGTTGAAGAATCTGTGAAACACTCTGATAAACTCAATGGCAACC-3'

ClinVar aggregate classification (germline): Pathogenic (1 of 4 stars; one submission).

Submission:

Labcorp Genetics (formerly Invitae), Labcorp
Classification: Pathogenic. Last evaluated: 2023-09-08. Review status: criteria provided, single submitter. Criteria: Invitae Variant Classification Sherloc (09022015). Collection method: clinical testing. Allele origin: germline.
Comment: This sequence change creates a premature translational stop signal (p.Gln788*) in the KIF11 gene. It is expected to result in an absent or disrupted protein product. Loss-of-function variants in KIF11 are known to be pathogenic (PMID: 22284827, 24281367). This variant is not present in population databases (gnomAD no frequency). This premature translational stop signal has been observed in individual(s) with retinal dystrophy (PMID: 28341476). For these reasons, this variant has been classified as Pathogenic.

Literature cited by the submitters: PubMed 22284827; PubMed 24281367; PubMed 28341476.